The following is an entry in ClinVar:

ClinVar aggregate classification (germline): Likely benign (1 of 4 stars; one submission).

Submission:

CeGaT Center for Human Genetics Tuebingen
Classification: Likely benign. Last evaluated: 2026-05-01. Review status: criteria provided, single submitter. Criteria: CeGaT Center For Human Genetics Tuebingen Variant Classification Criteria Version 2. Collection method: clinical testing. Allele origin: germline. Affected: yes. Observed: 1 variant allele.
Comment: RHOBTB2: PM2:Supporting, BP4, BP7

NM_015178.3(RHOBTB2):c.435C>T (p.Arg145=)

Gene: RHOBTB2 (Rho related BTB domain containing 2; plus strand). Cytogenetic location: 8p21.3.
Variant type: single nucleotide variant.
Coding change: c.435C>T on transcript NM_015178.3 (MANE Select); coding-DNA position 435, C replaced by T.
Protein change: p.Arg145=; no amino-acid change (arginine 145 retained).
Molecular consequence: synonymous variant.
Genome position (GRCh38, 1-based): chr8:23,006,098, C>T. VCF-style: chr8-23006098-C-T. GRCh37 (hg19) VCF-style: chr8-22863611-C-T.
Other names: c.501C>T, p.Arg167= (NM_001160036.2); c.456C>T, p.Arg152= (NM_001160037.2); c.435C>T, p.Arg145= (NM_001374791.1).
Identifiers: ClinVar variation 4872802 (VCV004872802.2).